The following is an entry in ClinVar:

NM_021098.3(CACNA1H):c.1543C>T (p.His515Tyr)

Gene: CACNA1H (calcium voltage-gated channel subunit alpha1 H; plus strand). Cytogenetic location: 16p13.3.
Variant type: single nucleotide variant.
Coding change: c.1543C>T on transcript NM_021098.3 (MANE Select); coding-DNA position 1543, C replaced by T.
Protein change: p.His515Tyr; replaces histidine 515 with tyrosine.
Molecular consequence: missense variant.
Genome position (GRCh38, 1-based): chr16:1,201,993, C>T. VCF-style: chr16-1201993-C-T. GRCh37 (hg19) VCF-style: chr16-1251993-C-T.
Other names: c.1543C>T, p.His515Tyr (NM_001005407.2); short protein forms H515Y.
Identifiers: ClinVar variation 718674 (VCV000718674.12), dbSNP rs368210728, ClinGen allele CA7799963.

ClinVar aggregate classification (germline): Benign. Review status: criteria provided, single submitter (1 of 4 stars). 2 submissions from 2 submitters: Benign (1). 1 of the submissions does not count toward it. Last evaluated 2026-01-24.

Conditions:
CACNA1H-related disorder.
Idiopathic generalized epilepsy. Also called: Generalised epilepsy; EIG. Identifiers: MedGen C0270850, MONDO:0005579, OMIM 600669.
Hyperaldosteronism, familial, type IV (HALD4). Also called: FH IV; ALDOSTERONISM, PRIMARY, AND HYPERTENSION. Identifiers: Orphanet 642671, MedGen C4310756, MONDO:0014875, OMIM 617027.

Allele frequency attached by ClinVar (database versions not stated): ExAC 0.00009; gnomAD 0.00015 and 0.00007; TOPMed 0.00017; 1000 Genomes Project 30x 0.00109; gnomAD exomes 0.00008 and 0.00039; 1000 Genomes Project 0.00140.

Submissions (2):

Labcorp Genetics (formerly Invitae), Labcorp
Classification: Benign for Idiopathic generalized epilepsy; Hyperaldosteronism, familial, type IV. Last evaluated: 2026-01-24. Review status: criteria provided, single submitter. Criteria: Invitae Variant Classification Sherloc (09022015). Collection method: clinical testing. Allele origin: germline.

PreventionGenetics, part of Exact Sciences
Classification: Likely benign for CACNA1H-related condition. Last evaluated: 2021-11-19. Review status: no assertion criteria provided. Collection method: clinical testing. Allele origin: germline. Not counted in ClinVar's aggregate classification.
Comment: This variant is classified as likely benign based on ACMG/AMP sequence variant interpretation guidelines (Richards et al. 2015 PMID: 25741868, with internal and published modifications).